The following is an entry in ClinVar:

NM_018979.4(WNK1):c.6565C>G (p.Pro2189Ala)

Gene: WNK1 (WNK lysine deficient protein kinase 1; plus strand). Cytogenetic location: 12p13.33.
Variant type: single nucleotide variant.
Coding change: c.6565C>G on transcript NM_018979.4 (MANE Select); coding-DNA position 6565, C replaced by G.
Protein change: p.Pro2189Ala; replaces proline 2189 with alanine.
Molecular consequence: missense variant.
Genome position (GRCh38, 1-based): chr12:900,592, C>G. VCF-style: chr12-900592-C-G. GRCh37 (hg19) VCF-style: chr12-1009758-C-G.
Other names: c.7345C>G, p.Pro2449Ala (NM_001184985.2); c.5821C>G, p.Pro1941Ala (NM_014823.3); c.7321C>G, p.Pro2441Ala (NM_213655.5); short protein forms P1941A, P2441A, P2449A, P2189A.
Identifiers: ClinVar variation 2929751 (VCV002929751.3), dbSNP rs2497734329, ClinGen allele CA383338213.

ClinVar aggregate classification (germline): Uncertain significance (1 of 4 stars; one submission).

Conditions:
Neuropathy, hereditary sensory and autonomic, type 2A (HSAN2A). Also called: HSAN IIA; WNK1-Related HSAN2 (HSAN2A); ACROOSTEOLYSIS, GIACCAI TYPE; ACROOSTEOLYSIS, NEUROGENIC; MORVAN DISEASE; NEUROPATHY, CONGENITAL SENSORY. Identifiers: Orphanet 970, MedGen C2752089, MONDO:0024309, OMIM 201300.
Pseudohypoaldosteronism type 2C (PHA2C). Also called: Pseudohypoaldosteronism Type IIC. Identifiers: Orphanet 757, Orphanet 88940, MedGen C1840391, MONDO:0013778, OMIM 614492.

Submission:

Labcorp Genetics (formerly Invitae), Labcorp
Classification: Uncertain significance for Neuropathy, hereditary sensory and autonomic, type 2A; Pseudohypoaldosteronism type 2C. Last evaluated: 2023-08-30. Review status: criteria provided, single submitter. Criteria: Invitae Variant Classification Sherloc (09022015). Collection method: clinical testing. Allele origin: germline.
Comment: This sequence change replaces proline, which is neutral and non-polar, with alanine, which is neutral and non-polar, at codon 2441 of the WNK1 protein (p.Pro2441Ala). This variant is not present in population databases (gnomAD no frequency). This variant has not been reported in the literature in individuals affected with WNK1-related conditions. Advanced modeling of protein sequence and biophysical properties (such as structural, functional, and spatial information, amino acid conservation, physicochemical variation, residue mobility, and thermodynamic stability) performed at Invitae indicates that this missense variant is not expected to disrupt WNK1 protein function. In summary, the available evidence is currently insufficient to determine the role of this variant in disease. Therefore, it has been classified as a Variant of Uncertain Significance.